The following is an entry in ClinVar:

ClinVar aggregate classification (germline): Uncertain significance (0 of 4 stars; one submission).

Conditions:
SRRM2-related disorder. Also called: SRRM2-related condition.

Submission:

PreventionGenetics, part of Exact Sciences
Classification: Uncertain significance for SRRM2-related condition. Last evaluated: 2024-08-27. Review status: no assertion criteria provided. Collection method: clinical testing. Allele origin: germline.
Comment: The SRRM2 c.6274A>C variant is predicted to result in the amino acid substitution p.Thr2092Pro. To our knowledge, this variant has not been reported in the literature or in a large population database, indicating this variant is rare. At this time, the clinical significance of this variant is uncertain due to the absence of conclusive functional and genetic evidence.

NM_016333.4(SRRM2):c.6274A>C (p.Thr2092Pro)

Gene: SRRM2 (serine/arginine repetitive matrix 2; plus strand). Cytogenetic location: 16p13.3.
Variant type: single nucleotide variant.
Coding change: c.6274A>C on transcript NM_016333.4 (MANE Select); coding-DNA position 6274, A replaced by C.
Protein change: p.Thr2092Pro; replaces threonine 2092 with proline.
Molecular consequence: missense variant.
Genome position (GRCh38, 1-based): chr16:2,766,802, A>C. VCF-style: chr16-2766802-A-C. GRCh37 (hg19) VCF-style: chr16-2816803-A-C.
Other names: short protein forms T2092P.
Identifiers: ClinVar variation 3350636 (VCV003350636.1).